The following is an entry in ClinVar:

ClinVar aggregate classification (germline): Uncertain significance (1 of 4 stars; one submission).

Conditions:
Gorlin syndrome. Also called: Basal cell nevus syndrome; Nevoid Basal Cell Carcinoma Syndrome. Identifiers: Orphanet 377, MedGen C0004779, MONDO:0007187.

Submission:

Labcorp Genetics (formerly Invitae), Labcorp
Classification: Uncertain significance for Gorlin syndrome. Last evaluated: 2024-05-22. Review status: criteria provided, single submitter. Criteria: Invitae Variant Classification Sherloc (09022015). Collection method: clinical testing. Allele origin: germline.
Comment: This sequence change replaces leucine, which is neutral and non-polar, with proline, which is neutral and non-polar, at codon 777 of the PTCH1 protein (p.Leu777Pro). This variant is not present in population databases (gnomAD no frequency). This variant has not been reported in the literature in individuals affected with PTCH1-related conditions. Advanced modeling of protein sequence and biophysical properties (such as structural, functional, and spatial information, amino acid conservation, physicochemical variation, residue mobility, and thermodynamic stability) has been performed at Invitae for this missense variant, however the output from this modeling did not meet the statistical confidence thresholds required to predict the impact of this variant on PTCH1 protein function. In summary, the available evidence is currently insufficient to determine the role of this variant in disease. Therefore, it has been classified as a Variant of Uncertain Significance.

NM_000264.5(PTCH1):c.2330T>C (p.Leu777Pro)

Genes: PTCH1 (patched 1; minus strand), LOC100507346 (uncharacterized LOC100507346; plus strand). Cytogenetic location: 9q22.32.
Variant type: single nucleotide variant.
Coding change: c.2330T>C on transcript NM_000264.5 (MANE Select); coding-DNA position 2330, T replaced by C.
Protein change: p.Leu777Pro; replaces leucine 777 with proline.
Molecular consequence: missense variant. On other transcripts: non-coding transcript variant (1).
Genome position (GRCh38, 1-based): chr9:95,467,346, A>G on the plus strand (T>C on the coding strand, the complement: PTCH1 is on the minus strand). VCF-style: chr9-95467346-A-G. GRCh37 (hg19) VCF-style: chr9-98229628-A-G.
Other names: c.2132T>C, p.Leu711Pro (NM_001083602.3); c.2327T>C, p.Leu776Pro (NM_001083603.3); c.1877T>C, p.Leu626Pro (NM_001083604.3, NM_001083605.3, NM_001083606.3 and 1 more transcripts); c.2174T>C, p.Leu725Pro (NM_001354918.2); short protein forms L626P, L711P, L725P, L776P, L777P.
Identifiers: ClinVar variation 3619104 (VCV003619104.2).